The following is an entry in ClinVar:

NM_005235.3(ERBB4):c.1931T>C (p.Leu644Ser)

Gene: ERBB4 (erb-b2 receptor tyrosine kinase 4; minus strand). Cytogenetic location: 2q34.
Variant type: single nucleotide variant.
Coding change: c.1931T>C on transcript NM_005235.3 (MANE Select); coding-DNA position 1931, T replaced by C.
Protein change: p.Leu644Ser; replaces leucine 644 with serine.
Molecular consequence: missense variant.
Genome position (GRCh38, 1-based): chr2:211,657,769, A>G on the plus strand (T>C on the coding strand, the complement: ERBB4 is on the minus strand). VCF-style: chr2-211657769-A-G. GRCh37 (hg19) VCF-style: chr2-212522494-A-G.
Other names: c.1931T>C, p.Leu644Ser (NM_001042599.2); short protein forms L644S.
Identifiers: ClinVar variation 2964692 (VCV002964692.3), dbSNP rs1389784744, ClinGen allele CA350782839.

ClinVar aggregate classification (germline): Uncertain significance (1 of 4 stars; one submission).

Allele frequency attached by ClinVar (database versions not stated): gnomAD exomes below 0.00001; TOPMed below 0.00001.
gnomAD v4.1: 1 of 1,613,642 alleles (0.000062%); highest among the groups gnomAD compares: Middle Eastern, 0.017%; no homozygotes.

Submission:

Labcorp Genetics (formerly Invitae), Labcorp
Classification: Uncertain significance. Last evaluated: 2023-03-12. Review status: criteria provided, single submitter. Criteria: Invitae Variant Classification Sherloc (09022015). Collection method: clinical testing. Allele origin: germline.
Comment: In summary, the available evidence is currently insufficient to determine the role of this variant in disease. Therefore, it has been classified as a Variant of Uncertain Significance. An algorithm developed to predict the effect of missense changes on protein structure and function (PolyPhen-2) suggests that this variant is likely to be tolerated. This variant has not been reported in the literature in individuals affected with ERBB4-related conditions. This variant is present in population databases (no rsID available, gnomAD 0.0009%). This sequence change replaces leucine, which is neutral and non-polar, with serine, which is neutral and polar, at codon 644 of the ERBB4 protein (p.Leu644Ser).